The following is an entry in ClinVar:

ClinVar aggregate classification (germline): Uncertain significance (1 of 4 stars; one submission).

Conditions:
Familial thoracic aortic aneurysm and aortic dissection (TAAD). Also called: Thoracic aortic aneurysms and dissections. Identifiers: Orphanet 91387, MedGen C4707243, MONDO:0019625.

Submission:

All of Us Research Program, National Institutes of Health
Classification: Uncertain significance for Familial thoracic aortic aneurysm and aortic dissection. Last evaluated: 2023-05-16. Review status: criteria provided, single submitter. Criteria: ACMG Guidelines, 2015. Collection method: clinical testing. Allele origin: germline. Inheritance: Autosomal dominant inheritance. Observed: 1 variant allele, 1 heterozygote.
Comment: This missense variant replaces aspartic acid with alanine at codon 1135 of the MYH11 protein. Computational prediction suggests that this variant may not impact protein structure and function (internally defined REVEL score threshold <= 0.5, PMID: 27666373). To our knowledge, functional studies have not been reported for this variant. This variant has not been reported in individuals affected with MYH11-related disorders in the literature. This variant has not been identified in the general population by the Genome Aggregation Database (gnomAD). The available evidence is insufficient to determine the role of this variant in disease conclusively. Therefore, this variant is classified as a Variant of Uncertain Significance.

This study involves interpretation of variants in research participants for the purpose of population health screening. Participant phenotype was not available at the time of variant classification. Additional details can be found in publication PMID: 35346344, PMCID: PMC8962531

NM_002474.3(MYH11):c.3383A>C (p.Asp1128Ala)

Gene: MYH11 (myosin heavy chain 11; minus strand). Cytogenetic location: 16p13.11.
Variant type: single nucleotide variant.
Coding change: c.3383A>C on transcript NM_002474.3 (MANE Select); coding-DNA position 3383, A replaced by C.
Protein change: p.Asp1128Ala; replaces aspartic acid 1128 with alanine.
Molecular consequence: missense variant.
Genome position (GRCh38, 1-based): chr16:15,735,489, T>G on the plus strand (A>C on the coding strand, the complement: MYH11 is on the minus strand). VCF-style: chr16-15735489-T-G. GRCh37 (hg19) VCF-style: chr16-15829346-T-G.
Other names: c.3404A>C, p.Asp1135Ala (NM_001040113.2, NM_001040114.2); c.3383A>C, p.Asp1128Ala (NM_022844.3); short protein forms D1128A, D1135A.
Identifiers: ClinVar variation 3071068 (VCV003071068.1), dbSNP rs2506177336, ClinGen allele CA394861989.